The following is an entry in ClinVar:

ClinVar aggregate classification (germline): Uncertain significance (1 of 4 stars; one submission).

Submission:

Labcorp Genetics (formerly Invitae), Labcorp
Classification: Uncertain significance. Last evaluated: 2022-06-27. Review status: criteria provided, single submitter. Criteria: Invitae Variant Classification Sherloc (09022015). Collection method: clinical testing. Allele origin: germline.
Comment: In summary, the available evidence is currently insufficient to determine the role of this variant in disease. Therefore, it has been classified as a Variant of Uncertain Significance. Advanced modeling of protein sequence and biophysical properties (such as structural, functional, and spatial information, amino acid conservation, physicochemical variation, residue mobility, and thermodynamic stability) performed at Invitae indicates that this missense variant is not expected to disrupt COMP protein function. ClinVar contains an entry for this variant (Variation ID: 1003738). This variant has not been reported in the literature in individuals affected with COMP-related conditions. This variant is not present in population databases (gnomAD no frequency). This sequence change replaces isoleucine, which is neutral and non-polar, with valine, which is neutral and non-polar, at codon 103 of the COMP protein (p.Ile103Val).

NM_000095.3(COMP):c.307A>G (p.Ile103Val)

Gene: COMP (cartilage oligomeric matrix protein; minus strand). Cytogenetic location: 19p13.11.
Variant type: single nucleotide variant.
Coding change: c.307A>G on transcript NM_000095.3 (MANE Select); coding-DNA position 307, A replaced by G.
Protein change: p.Ile103Val; replaces isoleucine 103 with valine.
Molecular consequence: missense variant.
Genome position (GRCh38, 1-based): chr19:18,790,025, T>C on the plus strand (A>G on the coding strand, the complement: COMP is on the minus strand). VCF-style: chr19-18790025-T-C. GRCh37 (hg19) VCF-style: chr19-18900834-T-C.
Other names: short protein forms I103V.
Identifiers: ClinVar variation 1003738 (VCV001003738.8), dbSNP rs2055200537, ClinGen allele CA404898554.